The following is an entry in ClinVar:

ClinVar aggregate classification (germline): Uncertain significance (1 of 4 stars; one submission).

Submission:

Labcorp Genetics (formerly Invitae), Labcorp
Classification: Uncertain significance. Last evaluated: 2022-06-13. Review status: criteria provided, single submitter. Criteria: Invitae Variant Classification Sherloc (09022015). Collection method: clinical testing. Allele origin: germline.
Comment: In summary, the available evidence is currently insufficient to determine the role of this variant in disease. Therefore, it has been classified as a Variant of Uncertain Significance. Advanced modeling of protein sequence and biophysical properties (such as structural, functional, and spatial information, amino acid conservation, physicochemical variation, residue mobility, and thermodynamic stability) performed at Invitae indicates that this missense variant is not expected to disrupt CDHR1 protein function. This variant has not been reported in the literature in individuals affected with CDHR1-related conditions. This variant is not present in population databases (gnomAD no frequency). This sequence change replaces tyrosine, which is neutral and polar, with phenylalanine, which is neutral and non-polar, at codon 254 of the CDHR1 protein (p.Tyr254Phe).

NM_033100.4(CDHR1):c.761A>T (p.Tyr254Phe)

Gene: CDHR1 (cadherin related family member 1; plus strand). Cytogenetic location: 10q23.1.
Variant type: single nucleotide variant.
Coding change: c.761A>T on transcript NM_033100.4 (MANE Select); coding-DNA position 761, A replaced by T.
Protein change: p.Tyr254Phe; replaces tyrosine 254 with phenylalanine.
Molecular consequence: missense variant.
Genome position (GRCh38, 1-based): chr10:84,203,101, A>T. VCF-style: chr10-84203101-A-T. GRCh37 (hg19) VCF-style: chr10-85962857-A-T.
Other names: c.761A>T, p.Tyr254Phe (NM_001171971.3); short protein forms Y254F.
Identifiers: ClinVar variation 1461712 (VCV001461712.6), dbSNP rs1842159347, ClinGen allele CA377372778.
Genomic context (GRCh38, chr10:84,203,101, plus strand): 5'-TCAATGTGGAGGATGTTCAGGACATGGCCCCTGTCTTCGTGGGCACACCCTACTATGGCT[A>T]TGTGTACGAGGACACCCTTCCGGTGGGTGGCTGTCCCCCTCAGCCAGCGATCCCTCCAAA-3'
Protein context (NP_149091.1, residues 244-264): PVFVGTPYYG[Tyr254Phe]VYEDTLPGSE